The following is an entry in ClinVar:

NM_054012.4(ASS1):c.773+59C>A

Gene: ASS1 (argininosuccinate synthase 1; plus strand). Cytogenetic location: 9q34.11.
Variant type: single nucleotide variant.
Coding change: c.773+59C>A on transcript NM_054012.4 (MANE Select); 59 bases into the intron after coding-DNA position 773, C replaced by A.
Molecular consequence: intron variant.
Genome position (GRCh38, 1-based): chr9:130,479,859, C>A. VCF-style: chr9-130479859-C-A. GRCh37 (hg19) VCF-style: chr9-133355246-C-A.
Other names: c.773+59C>A (NM_000050.4).
Identifiers: ClinVar variation 3037953 (VCV003037953.2), dbSNP rs752505894, ClinGen allele CA5283482.

ClinVar aggregate classification (germline): Likely benign (0 of 4 stars; one submission).

Conditions:
ASS1-related disorder. Also called: ASS1-related condition.

Allele frequency attached by ClinVar (database versions not stated): TOPMed below 0.00001; ExAC 0.00001; gnomAD 0.00001.

Submission:

PreventionGenetics, part of Exact Sciences
Classification: Likely benign for ASS1-related condition. Last evaluated: 2019-05-03. Review status: no assertion criteria provided. Collection method: clinical testing. Allele origin: germline.
Comment: This variant is classified as likely benign based on ACMG/AMP sequence variant interpretation guidelines (Richards et al. 2015 PMID: 25741868, with internal and published modifications).